The following is an entry in ClinVar:

ClinVar aggregate classification (germline): Uncertain significance. Review status: criteria provided, multiple submitters, no conflicts (2 of 4 stars). 2 submissions from 2 submitters: Uncertain significance (2). Last evaluated 2025-05-21.

Conditions:
Epidermolysis bullosa simplex 5B, with muscular dystrophy (EBS5B). Also called: Epidermolysis bullosa simplex with muscular dystrophy; EPIDERMOLYSIS BULLOSA SIMPLEX AND LIMB-GIRDLE MUSCULAR DYSTROPHY. Identifiers: Orphanet 257, MedGen C2931072, MONDO:0009181, OMIM 226670.
Epidermolysis bullosa simplex, Ogna type (EBS5A). Also called: Pidermolysis bullosa simplex 5A, Ogna type; EPIDERMOLYSIS BULLOSA SIMPLEX 5A, OGNA TYPE. Identifiers: Orphanet 79401, MedGen C0432317, MONDO:0007555, OMIM 131950.
Epidermolysis bullosa simplex 5C, with pyloric atresia (EBS5C). Also called: PLEC-Related Epidermolysis Bullosa with Pyloric Atresia; Epidermolysis bullosa simplex with pyloric atresia; PLEC1-Related Epidermolysis Bullosa with Pyloric Atresia. Identifiers: Orphanet 158684, MedGen C2677349, MONDO:0012807, OMIM 612138.
Autosomal recessive limb-girdle muscular dystrophy type 2Q (LGMDR17). Also called: MUSCULAR DYSTROPHY, LIMB-GIRDLE, AUTOSOMAL RECESSIVE 17. Identifiers: Orphanet 254361, MedGen C3150989, MONDO:0013390, OMIM 613723.
Epidermolysis bullosa simplex with nail dystrophy (EBS5D). Identifiers: MedGen C4225309, MONDO:0014661, OMIM 616487.
Inborn genetic diseases. Identifiers: MedGen C0950123, MeSH D030342.

Allele frequency attached by ClinVar (database versions not stated): gnomAD exomes below 0.00001 and 0.00001; ExAC 0.00001; TOPMed 0.00004.
gnomAD v4.1: 14 of 1,612,182 alleles (0.00087%); highest among the groups gnomAD compares: African/African-American, 0.0027%; no homozygotes.

Submissions (2):

Ambry Genetics
Classification: Uncertain significance for Inborn genetic diseases. Last evaluated: 2025-05-21. Review status: criteria provided, single submitter. Criteria: Ambry Variant Classification Scheme 2023. Collection method: clinical testing. Allele origin: germline.

Labcorp Genetics (formerly Invitae), Labcorp
Classification: Uncertain significance for Autosomal recessive limb-girdle muscular dystrophy type 2Q; Epidermolysis bullosa simplex, Ogna type; Epidermolysis bullosa simplex with nail dystrophy; Epidermolysis bullosa simplex 5C, with pyloric atresia; Epidermolysis bullosa simplex 5B, with muscular dystrophy. Last evaluated: 2020-12-25. Review status: criteria provided, single submitter. Criteria: Invitae Variant Classification Sherloc (09022015). Collection method: clinical testing. Allele origin: germline.
Comment: In summary, the available evidence is currently insufficient to determine the role of this variant in disease. Therefore, it has been classified as a Variant of Uncertain Significance. Algorithms developed to predict the effect of missense changes on protein structure and function (SIFT, PolyPhen-2, Align-GVGD) all suggest that this variant is likely to be disruptive, but these predictions have not been confirmed by published functional studies and their clinical significance is uncertain. This variant has not been reported in the literature in individuals with PLEC-related conditions. This variant is present in population databases (rs782255835, ExAC 0.01%). This sequence change replaces arginine with tryptophan at codon 2434 of the PLEC protein (p.Arg2434Trp). The arginine residue is moderately conserved and there is a moderate physicochemical difference between arginine and tryptophan.

NM_201384.3(PLEC):c.7219C>T (p.Arg2407Trp)

Gene: PLEC (plectin; minus strand). Cytogenetic location: 8q24.3.
Variant type: single nucleotide variant.
Coding change: c.7219C>T on transcript NM_201384.3 (MANE Select); coding-DNA position 7219, C replaced by T.
Protein change: p.Arg2407Trp; replaces arginine 2407 with tryptophan.
Molecular consequence: missense variant.
Genome position (GRCh38, 1-based): chr8:143,922,710, G>A on the plus strand (C>T on the coding strand, the complement: PLEC is on the minus strand). VCF-style: chr8-143922710-G-A. GRCh37 (hg19) VCF-style: chr8-144996878-G-A.
Other names: c.7300C>T, p.Arg2434Trp (NM_000445.5); c.7177C>T, p.Arg2393Trp (NM_201378.4); c.7153C>T, p.Arg2385Trp (NM_201379.3); c.7630C>T, p.Arg2544Trp (NM_201380.4); c.7123C>T, p.Arg2375Trp (NM_201381.3); c.7219C>T, p.Arg2407Trp (NM_201382.4); c.7231C>T, p.Arg2411Trp (NM_201383.3); c.7300C>T (NM_000445.3); short protein forms R2375W, R2385W, R2393W, R2407W, R2411W, R2434W, R2544W.
Identifiers: ClinVar variation 1005358 (VCV001005358.6), dbSNP rs782255835, ClinGen allele CA4925723.